The following is an entry in ClinVar:

NM_001365536.1(SCN9A):c.4597A>T (p.Met1533Leu)

Genes: SCN1A-AS1 (SCN1A and SCN9A antisense RNA 1; plus strand), SCN9A (sodium voltage-gated channel alpha subunit 9; minus strand). Cytogenetic location: 2q24.3.
Variant type: single nucleotide variant.
Coding change: c.4597A>T on transcript NM_001365536.1 (MANE Select); coding-DNA position 4597, A replaced by T.
Protein change: p.Met1533Leu; replaces methionine 1533 with leucine.
Molecular consequence: missense variant.
Genome position (GRCh38, 1-based): chr2:166,204,132, T>A on the plus strand (A>T on the coding strand, the complement: SCN9A is on the minus strand). VCF-style: chr2-166204132-T-A. GRCh37 (hg19) VCF-style: chr2-167060642-T-A.
Other names: c.4564A>T, p.Met1522Leu (NM_002977.4); short protein forms M1522L, M1533L.
Identifiers: ClinVar variation 1694981 (VCV001694981.31), dbSNP rs2106346393, ClinGen allele CA349057755.

ClinVar aggregate classification (germline): Uncertain significance (1 of 4 stars; one submission).

Submission:

CeGaT Center for Human Genetics Tuebingen
Classification: Uncertain significance. Last evaluated: 2022-06-01. Review status: criteria provided, single submitter. Criteria: CeGaT Center For Human Genetics Tuebingen Variant Classification Criteria Version 2. Collection method: clinical testing. Allele origin: germline. Affected: yes. Observed: 1 variant allele.
Comment: SCN9A: PM2, PP4